The following is an entry in ClinVar:

ClinVar aggregate classification (germline): Conflicting classifications of pathogenicity. Review status: criteria provided, conflicting classifications (1 of 4 stars). 3 submissions from 3 submitters: Uncertain significance (2); Likely benign (1). Last evaluated 2024-12-18.

Conditions:
Familial thoracic aortic aneurysm and aortic dissection (TAAD). Also called: Thoracic aortic aneurysms and dissections. Identifiers: Orphanet 91387, MedGen C4707243, MONDO:0019625.
MYLK-related disorder. Also called: MYLK-related condition.
Aortic aneurysm, familial thoracic 7 (AAT7). Also called: AORTIC DISSECTION, FAMILIAL, WITH OR WITHOUT AORTIC ANEURYSM. Identifiers: MedGen C3151077, MONDO:0013418, OMIM 613780.

Allele frequency attached by ClinVar (database versions not stated): gnomAD exomes below 0.00001 and 0.00001; gnomAD 0.00001; TOPMed 0.00001.
gnomAD v4.1: 10 of 1,613,884 alleles (0.00062%); highest among the groups gnomAD compares: African/African-American, 0.0013%; no homozygotes.

Submissions (3):

PreventionGenetics, part of Exact Sciences
Classification: Likely benign for MYLK-related condition. Last evaluated: 2024-12-18. Review status: criteria provided, single submitter. Criteria: ACMG Guidelines, 2015. Collection method: clinical testing. Allele origin: germline.
Comment: This variant is classified as likely benign based on ACMG/AMP sequence variant interpretation guidelines (Richards et al. 2015 PMID: 25741868, with internal and published modifications).

Labcorp Genetics (formerly Invitae), Labcorp
Classification: Uncertain significance for Aortic aneurysm, familial thoracic 7. Last evaluated: 2024-11-27. Review status: criteria provided, single submitter. Criteria: Invitae Variant Classification Sherloc (09022015). Collection method: clinical testing. Allele origin: germline.
Comment: This sequence change falls in intron 17 of the MYLK gene. It does not directly change the encoded amino acid sequence of the MYLK protein. It affects a nucleotide within the consensus splice site. This variant is present in population databases (no rsID available, gnomAD 0.004%). This variant has not been reported in the literature in individuals affected with MYLK-related conditions. ClinVar contains an entry for this variant (Variation ID: 1348657). Variants that disrupt the consensus splice site are a relatively common cause of aberrant splicing (PMID: 17576681, 9536098). Algorithms developed to predict the effect of sequence changes on RNA splicing suggest that this variant is not likely to affect RNA splicing. In summary, the available evidence is currently insufficient to determine the role of this variant in disease. Therefore, it has been classified as a Variant of Uncertain Significance.

Ambry Genetics
Classification: Uncertain significance for Familial thoracic aortic aneurysm and aortic dissection. Last evaluated: 2021-02-03. Review status: criteria provided, single submitter. Criteria: Ambry Variant Classification Scheme 2023. Collection method: clinical testing. Allele origin: germline.
Comment: The c.2462+3G>A intronic variant results from a G to A substitution 3 nucleotides after coding exon 14 in the MYLK gene. This nucleotide position is well conserved in available vertebrate species. In silico splice site analysis predicts that this alteration will not have any significant effect on splicing. Since supporting evidence is limited at this time, the clinical significance of this alteration remains unclear.

Literature cited by the submitters: PubMed 17576681 (cited by Labcorp Genetics (formerly Invitae), Labcorp); PubMed 9536098 (cited by Labcorp Genetics (formerly Invitae), Labcorp).

NM_053025.4(MYLK):c.2462+3G>A

Gene: MYLK (myosin light chain kinase; minus strand). Cytogenetic location: 3q21.1.
Variant type: single nucleotide variant.
Coding change: c.2462+3G>A on transcript NM_053025.4 (MANE Select); 3 bases into the intron after coding-DNA position 2462, G replaced by A.
Molecular consequence: intron variant.
Genome position (GRCh38, 1-based): chr3:123,701,435, C>T on the plus strand (G>A on the coding strand, the complement: MYLK is on the minus strand). VCF-style: chr3-123701435-C-T. GRCh37 (hg19) VCF-style: chr3-123420282-C-T.
Other names: c.1934+3G>A (NM_001321309.2); c.2255+3G>A (NM_053028.4, NM_053026.4); c.2462+3G>A (NM_053027.4).
Identifiers: ClinVar variation 1348657 (VCV001348657.9), dbSNP rs893899992, ClinGen allele CA82925988.
Genomic context (GRCh38, chr3:123,701,435, plus strand): 5'-GGGGCCAGGAGGAAGGTGGGGATGGGGGCATGGCCTGGAGGGGCAGCTCCTGGGGGCACT[C>T]ACCGTGGAAGGGCTCTGGCAGAGCTGTTCTGTAGCATCAGTGACACCTGGCAACTGCATT-3'